The following is an entry in ClinVar:

ClinVar aggregate classification (germline): Uncertain significance (1 of 4 stars; one submission).

Conditions:
Inborn genetic diseases. Identifiers: MedGen C0950123, MeSH D030342.

Submission:

Ambry Genetics
Classification: Uncertain significance for Inborn genetic diseases. Last evaluated: 2024-09-18. Review status: criteria provided, single submitter. Criteria: Ambry Variant Classification Scheme 2023. Collection method: clinical testing. Allele origin: germline.
Comment: The p.A1659S variant (also known as c.4975G>T), located in coding exon 34 of the LRRK2 gene, results from a G to T substitution at nucleotide position 4975. The alanine at codon 1659 is replaced by serine, an amino acid with similar properties. This amino acid position is conserved. In addition, the in silico prediction for this alteration is inconclusive. Based on the available evidence, the clinical significance of this variant remains unclear.

NM_198578.4(LRRK2):c.4975G>T (p.Ala1659Ser)

Gene: LRRK2 (leucine rich repeat kinase 2; plus strand). Cytogenetic location: 12q12.
Variant type: single nucleotide variant.
Coding change: c.4975G>T on transcript NM_198578.4 (MANE Select); coding-DNA position 4975, G replaced by T.
Protein change: p.Ala1659Ser; replaces alanine 1659 with serine.
Molecular consequence: missense variant.
Genome position (GRCh38, 1-based): chr12:40,320,135, G>T. VCF-style: chr12-40320135-G-T. GRCh37 (hg19) VCF-style: chr12-40713937-G-T.
Other names: short protein forms A1659S.
Identifiers: ClinVar variation 3540684 (VCV003540684.1).